The following continues an entry in ClinVar:

NM_004004.6(GJB2):c.231G>A (p.Trp77Ter)

Gene: GJB2. ClinVar aggregate classification (germline): Pathogenic. Pathogenic (21).

Submissions 20 to 26 of 26:

Kasturba Medical College, Manipal, Kasturba Medical College, Manipal, Manipal Academy of Higher Education, Manipal, India
Classification: Pathogenic for Autosomal recessive nonsyndromic hearing loss 1A. Review status: criteria provided, single submitter. Criteria: ACMG Guidelines, 2015. Collection method: research. Allele origin: maternal. Inheritance: Autosomal recessive inheritance. Affected: yes. Observed: 1 heterozygote.
Comment: This variant is present in heterozygous state in 167 individuals in the gnomAD (v4.1.0) population database, and present in three individuals in our in-house data of 3616 exomes. This variant is predicted to introduce a premature termination codon which may either lead to NMD or formation of a truncated protein product.

Neuberg Centre For Genomic Medicine, NCGM
Classification: Pathogenic for Autosomal recessive nonsyndromic hearing loss 1A. Review status: criteria provided, single submitter. Criteria: ACMG Guidelines, 2015. Collection method: clinical testing. Allele origin: germline. Affected: yes.

OMIM
Classification: Pathogenic for DEAFNESS, AUTOSOMAL RECESSIVE 1A. Last evaluated: 1997-05-01. Review status: no assertion criteria provided. Collection method: literature only. Allele origin: germline. Not counted in ClinVar's aggregate classification.

Clinical Genetics DNA and cytogenetics Diagnostics Lab, Erasmus MC, Erasmus Medical Center
Classification: Pathogenic. Review status: no assertion criteria provided. Collection method: clinical testing. Allele origin: germline. Affected: yes. Study: VKGL Data-share Consensus. Not counted in ClinVar's aggregate classification.

GeneReviews
No classification provided. Condition: Autosomal recessive nonsyndromic hearing loss 1A. Review status: no classification provided. Collection method: literature only. Allele origin: unknown. Not counted in ClinVar's aggregate classification.

Joint Genome Diagnostic Labs from Nijmegen and Maastricht, Radboudumc and MUMC+
Classification: Pathogenic. Review status: no assertion criteria provided. Collection method: clinical testing. Allele origin: germline. Affected: yes. Study: VKGL Data-share Consensus. Not counted in ClinVar's aggregate classification.

University of Washington Center for Mendelian Genomics, University of Washington
Classification: Likely pathogenic for non-syndromic autosomal recessive hearing loss. Review status: no assertion criteria provided. Collection method: research. Allele origin: inherited. Affected: yes. Not counted in ClinVar's aggregate classification.

Literature cited by the submitters: PubMed 9139825 (cited by 6 submitters); PubMed 24840842 (cited by Labcorp Genetics (formerly Invitae), Labcorp and Athena Diagnostics); PubMed 25636251 (cited by 3 submitters); PubMed 9529365 (cited by Labcorp Genetics (formerly Invitae), Labcorp); PubMed 23141775 (cited by Labcorp Genetics (formerly Invitae), Labcorp); PubMed 26061099 (cited by Otogenetics); PubMed 31389194 (cited by Natera, Inc.); PubMed 40377830 (cited by Laboratory of Dr. Barbara Vona, University Medical Center Göttingen); PubMed 33187236 (cited by Athena Diagnostics and 3billion); PubMed 28900455 (cited by Athena Diagnostics); PubMed 20086291 (cited by Athena Diagnostics and Laboratory for Molecular Medicine, Mass General Brigham Personalized Medicine); PubMed 19465004 (cited by Athena Diagnostics and Laboratory for Molecular Medicine, Mass General Brigham Personalized Medicine); PubMed 18941476 (cited by 3 submitters); PubMed 18983339 (cited by Athena Diagnostics and Laboratory for Molecular Medicine, Mass General Brigham Personalized Medicine); PubMed 16380907 (cited by 3 submitters); PubMed 16222667 (cited by Athena Diagnostics and Laboratory for Molecular Medicine, Mass General Brigham Personalized Medicine); PubMed 11494963 (cited by Athena Diagnostics and Laboratory for Molecular Medicine, Mass General Brigham Personalized Medicine); PubMed 9600457 (cited by Athena Diagnostics and Laboratory for Molecular Medicine, Mass General Brigham Personalized Medicine); PubMed 29921236 (cited by Athena Diagnostics); PubMed 33614373 (cited by Athena Diagnostics); PubMed 29542069 (cited by Athena Diagnostics); PubMed 29086887 (cited by Athena Diagnostics); PubMed 15617550 (cited by 3 submitters); PubMed 12792423 (cited by Athena Diagnostics and Victorian Clinical Genetics Services, Murdoch Childrens Research Institute); PubMed 28428247 (cited by Victorian Clinical Genetics Services, Murdoch Childrens Research Institute); PubMed 30303587 (cited by Victorian Clinical Genetics Services, Murdoch Childrens Research Institute and University of Washington Center for Mendelian Genomics, University of Washington); PubMed 31160754 (cited by Victorian Clinical Genetics Services, Murdoch Childrens Research Institute); PubMed 24949729 (cited by Laboratory for Molecular Medicine, Mass General Brigham Personalized Medicine); PubMed 8789457 (cited by OMIM); PubMed 9328482 (cited by GeneReviews); PubMed 20301449 (cited by GeneReviews); NCBI Bookshelf NBK1272 (cited by GeneReviews).